The following is an entry in ClinVar:

NM_004431.5(EPHA2):c.2023A>G (p.Ile675Val)

Gene: EPHA2 (EPH receptor A2; minus strand). Cytogenetic location: 1p36.13.
Variant type: single nucleotide variant.
Coding change: c.2023A>G on transcript NM_004431.5 (MANE Select); coding-DNA position 2023, A replaced by G.
Protein change: p.Ile675Val; replaces isoleucine 675 with valine.
Molecular consequence: missense variant.
Genome position (GRCh38, 1-based): chr1:16,133,210, T>C on the plus strand (A>G on the coding strand, the complement: EPHA2 is on the minus strand). VCF-style: chr1-16133210-T-C. GRCh37 (hg19) VCF-style: chr1-16459705-T-C.
Other names: c.1861A>G, p.Ile621Val (NM_001329090.2); short protein forms I621V, I675V.
Identifiers: ClinVar variation 2638359 (VCV002638359.24), dbSNP rs2024612441, ClinGen allele CA338623976.

ClinVar aggregate classification (germline): Uncertain significance (1 of 4 stars; one submission).

Submission:

CeGaT Center for Human Genetics Tuebingen
Classification: Uncertain significance. Last evaluated: 2023-09-01. Review status: criteria provided, single submitter. Criteria: CeGaT Center For Human Genetics Tuebingen Variant Classification Criteria Version 2. Collection method: clinical testing. Allele origin: germline. Affected: yes. Observed: 1 variant allele.
Comment: EPHA2: PM2